The following is an entry in ClinVar:

ClinVar aggregate classification (germline): Uncertain significance (1 of 4 stars; one submission).

gnomAD v4.1: 3 of 1,453,276 alleles (0.00021%); highest among the groups gnomAD compares: South Asian, 0.0034%; no homozygotes.

Submission:

CeGaT Center for Human Genetics Tuebingen
Classification: Uncertain significance. Last evaluated: 2025-04-01. Review status: criteria provided, single submitter. Criteria: CeGaT Center For Human Genetics Tuebingen Variant Classification Criteria Version 2. Collection method: clinical testing. Allele origin: germline. Affected: yes. Observed: 1 variant allele.
Comment: KDM6B: PM2

NM_001348716.2(KDM6B):c.1569G>T (p.Glu523Asp)

Gene: KDM6B (lysine demethylase 6B; plus strand). Cytogenetic location: 17p13.1.
Variant type: single nucleotide variant.
Coding change: c.1569G>T on transcript NM_001348716.2 (MANE Select); coding-DNA position 1569, G replaced by T.
Protein change: p.Glu523Asp; replaces glutamic acid 523 with aspartic acid.
Molecular consequence: missense variant.
Genome position (GRCh38, 1-based): chr17:7,847,857, G>T. VCF-style: chr17-7847857-G-T. GRCh37 (hg19) VCF-style: chr17-7751175-G-T.
Other names: c.1569G>T, p.Glu523Asp (NM_001080424.2); short protein forms E523D.
Identifiers: ClinVar variation 3898180 (VCV003898180.7).